The following is an entry in ClinVar:

NM_014625.4(NPHS2):c.859C>T (p.Gln287Ter)

Genes: AXDND1 (axonemal dynein light chain domain containing 1; plus strand), NPHS2 (NPHS2 stomatin family member, podocin; minus strand). Cytogenetic location: 1q25.2.
Variant type: single nucleotide variant.
Coding change: c.859C>T on transcript NM_014625.4 (MANE Select); coding-DNA position 859, C replaced by T.
Protein change: p.Gln287Ter; replaces glutamine 287 with a stop codon.
Molecular consequence: nonsense. On other transcripts: intron variant (1).
Genome position (GRCh38, 1-based): chr1:179,552,617, G>A on the plus strand (C>T on the coding strand, the complement: NPHS2 is on the minus strand). VCF-style: chr1-179552617-G-A. GRCh37 (hg19) VCF-style: chr1-179521752-G-A.
Other names: c.655C>T, p.Gln219Ter (NM_001297575.2); c.3032-1895G>A (NM_144696.6); short protein forms Q287*, Q219*.
Identifiers: ClinVar variation 371301 (VCV000371301.9), dbSNP rs1057517164, ClinGen allele CA16040666.

ClinVar aggregate classification (germline): Pathogenic/Likely pathogenic. Review status: criteria provided, multiple submitters, no conflicts (2 of 4 stars). 3 submissions from 3 submitters: Pathogenic (1); Likely pathogenic (1). 1 of the submissions does not count toward it. Last evaluated 2023-04-11.

Conditions:
Nephrotic syndrome, type 2 (NPHS2). Also called: NEPHROTIC SYNDROME, STEROID-RESISTANT, AUTOSOMAL RECESSIVE. Identifiers: Orphanet 656, MedGen C1868672, MONDO:0010974, OMIM 600995.

Allele frequency attached by ClinVar (database versions not stated): gnomAD exomes below 0.00001.
gnomAD v4.1: 1 of 1,613,720 alleles (0.000062%); highest among the groups gnomAD compares: South Asian, 0.0011%; no homozygotes.

Submissions (3):

Genome-Nilou Lab
Classification: Likely pathogenic for Nephrotic syndrome, type 2. Last evaluated: 2023-04-11. Review status: criteria provided, single submitter. Criteria: ACMG Guidelines, 2015. Collection method: clinical testing. Allele origin: germline. Affected: no.

Labcorp Genetics (formerly Invitae), Labcorp
Classification: Pathogenic. Last evaluated: 2020-06-30. Review status: criteria provided, single submitter. Criteria: Invitae Variant Classification Sherloc (09022015). Collection method: clinical testing. Allele origin: germline.
Comment: For these reasons, this variant has been classified as Pathogenic. This variant disrupts the C-terminus of the NPHS2 protein. Other variant(s) that disrupt this region (p.Arg322*) have been determined to be pathogenic (Invitae). This suggests that variants that disrupt this region of the protein are likely to be causative of disease. This variant has not been reported in the literature in individuals with NPHS2-related conditions. ClinVar contains an entry for this variant (Variation ID: 371301). This variant is not present in population databases (ExAC no frequency). This sequence change results in a premature translational stop signal in the NPHS2 gene (p.Gln287*). While this is not anticipated to result in nonsense mediated decay, it is expected to disrupt the last 97 amino acids of the NPHS2 protein.

Counsyl
Classification: Likely pathogenic for Nephrotic syndrome, type 2. Last evaluated: 2016-08-24. Review status: no assertion criteria provided. Collection method: clinical testing. Allele origin: unknown. Not counted in ClinVar's aggregate classification.